The following is an entry in ClinVar:

ClinVar aggregate classification (germline): Uncertain significance (1 of 4 stars; one submission).

Submission:

GeneDx
Classification: Uncertain significance. Last evaluated: 2023-03-06. Review status: criteria provided, single submitter. Criteria: GeneDx Variant Classification Process June 2021. Collection method: clinical testing. Allele origin: germline. Affected: yes.
Comment: Not observed at significant frequency in large population cohorts (gnomAD); In silico analysis supports that this missense variant does not alter protein structure/function; Has not been previously published as pathogenic or benign to our knowledge

NM_001367916.1(MAGT1):c.70G>T (p.Val24Phe)

Genes: MAGT1 (magnesium transporter 1; minus strand), LOC130068460 (ATAC-STARR-seq lymphoblastoid active region 29781; plus strand). Cytogenetic location: Xq21.1.
Variant type: single nucleotide variant.
Coding change: c.70G>T on transcript NM_001367916.1 (MANE Select); coding-DNA position 70, G replaced by T.
Protein change: p.Val24Phe; replaces valine 24 with phenylalanine.
Molecular consequence: missense variant.
Genome position (GRCh38, 1-based): chrX:77,895,341, C>A on the plus strand (G>T on the coding strand, the complement: MAGT1 is on the minus strand). VCF-style: chrX-77895341-C-A. GRCh37 (hg19) VCF-style: chrX-77150838-C-A.
Other names: c.166G>T, p.Val56Phe (NM_032121.5); short protein forms V24F, V56F.
Identifiers: ClinVar variation 2579367 (VCV002579367.1), dbSNP rs2077095408, ClinGen allele CA413714015.